The following is an entry in ClinVar:

GRCh38/hg38 22q12.2(chr22:29281920-29878399)x3

Genes: AP1B1 (adaptor related protein complex 1 subunit beta 1; minus strand), ASCC2 (activating signal cointegrator 1 complex subunit 2; minus strand), CABP7 (calcium binding protein 7; plus strand), CABP7-DT (CABP7 divergent transcript; minus strand), EWSR1 (EWS RNA binding protein 1; plus strand) and 25 more. Cytogenetic location: 22q12.2.
Variant type: copy number gain.
Change: copy number 3 (three copies instead of two) of chr22:29,281,920-29,878,399 (596.5 kb, GRCh38 coordinates, 1-based), cytogenetic band 22q12.2.
Identifiers: ClinVar variation 57489 (VCV000057489.1).

ClinVar aggregate classification (germline): Uncertain significance (1 of 4 stars; one submission).

Submission:

ISCA site 4
Classification: Uncertain significance. Last evaluated: 2011-08-12. Review status: criteria provided, single submitter. Criteria: Kaminsky et al. (Genet Med. 2011). Collection method: clinical testing. Allele origin: unknown. Affected: yes. Observed: 1 variant allele.
Comment: Copy number variation identified through the course of routine clinical cytogenomic testing in postnatal populations. Clinical assertions have been curated as described in Kaminsky et al. 2011.